The following is an entry in ClinVar:

ClinVar aggregate classification (germline): Uncertain significance (1 of 4 stars; one submission).

Submission:

Labcorp Genetics (formerly Invitae), Labcorp
Classification: Uncertain significance. Last evaluated: 2022-07-25. Review status: criteria provided, single submitter. Criteria: Invitae Variant Classification Sherloc (09022015). Collection method: clinical testing. Allele origin: germline.
Comment: ClinVar contains an entry for this variant (Variation ID: 967315). This sequence change replaces glutamine, which is neutral and polar, with arginine, which is basic and polar, at codon 170 of the ABCB11 protein (p.Gln170Arg). This variant is not present in population databases (gnomAD no frequency). This missense change has been observed in individual(s) with clinical features of cholestasis (Invitae). Advanced modeling of protein sequence and biophysical properties (such as structural, functional, and spatial information, amino acid conservation, physicochemical variation, residue mobility, and thermodynamic stability) performed at Invitae indicates that this missense variant is expected to disrupt ABCB11 protein function. In summary, the available evidence is currently insufficient to determine the role of this variant in disease. Therefore, it has been classified as a Variant of Uncertain Significance.

NM_003742.4(ABCB11):c.509A>G (p.Gln170Arg)

Gene: ABCB11 (ATP binding cassette subfamily B member 11; minus strand). Cytogenetic location: 2q31.1.
Variant type: single nucleotide variant.
Coding change: c.509A>G on transcript NM_003742.4 (MANE Select); coding-DNA position 509, A replaced by G.
Protein change: p.Gln170Arg; replaces glutamine 170 with arginine.
Molecular consequence: missense variant.
Genome position (GRCh38, 1-based): chr2:168,995,451, T>C on the plus strand (A>G on the coding strand, the complement: ABCB11 is on the minus strand). VCF-style: chr2-168995451-T-C. GRCh37 (hg19) VCF-style: chr2-169851961-T-C.
Other names: short protein forms Q170R.
Identifiers: ClinVar variation 967315 (VCV000967315.9), dbSNP rs1694682592, ClinGen allele CA349131909.
Genomic context (GRCh38, chr2:168,995,451, plus strand): 5'-AACCACCCTATTTCCATTCTCATTATTCTCCTAAAGTAAAATTTTCTCATTTTCTGTATC[T>C]GACGAGCTGCGGCAATGACCCAAAAGCATATCTGGAAATGGACAAAGGAATGTTTAGCAT-3'
Protein context (NP_003733.2, residues 160-180): ICFWVIAAAR[Gln170Arg]IQKMRKFYFR